The following is an entry in ClinVar:

ClinVar aggregate classification (germline): Conflicting classifications of pathogenicity. Review status: criteria provided, conflicting classifications (1 of 4 stars). 5 submissions from 5 submitters: Uncertain significance (2); Likely benign (2). 1 of the submissions does not count toward it. Last evaluated 2025-05-30.

Conditions:
Neuronal ceroid lipofuscinosis. Also called: Neuronal Ceroid Lipofuscinoses. Identifiers: Orphanet 216, Orphanet 79263, MedGen C0027877, MONDO:0016295. Disease mechanism: loss of function.

Allele frequency attached by ClinVar (database versions not stated): ExAC 0.00004; TOPMed 0.00010; gnomAD 0.00011; ESP Exome Variant Server 0.00015.
gnomAD v4.1: 209 of 1,614,034 alleles (0.013%); highest among the groups gnomAD compares: Non-Finnish European, 0.016%; no homozygotes.

Submissions (5):

Labcorp Genetics (formerly Invitae), Labcorp
Classification: Uncertain significance for Neuronal ceroid lipofuscinosis. Last evaluated: 2025-05-30. Review status: criteria provided, single submitter. Criteria: Invitae Variant Classification Sherloc (09022015). Collection method: clinical testing. Allele origin: germline.
Comment: This sequence change replaces alanine, which is neutral and non-polar, with valine, which is neutral and non-polar, at codon 63 of the DNAJC5 protein (p.Ala63Val). This variant is present in population databases (rs139312819, gnomAD 0.01%). This missense change has been observed in individual(s) with early-onset vascular dementia (PMID: 34720963). This missense change has been observed in at least one individual who was not affected with DNAJC5-related conditions (internal data). ClinVar contains an entry for this variant (Variation ID: 558992). An algorithm developed to predict the effect of missense changes on protein structure and function (PolyPhen-2) suggests that this variant is likely to be disruptive. In summary, the available evidence is currently insufficient to determine the role of this variant in disease. Therefore, it has been classified as a Variant of Uncertain Significance.

Blueprint Genetics
Classification: Likely benign. Last evaluated: 2024-09-19. Review status: criteria provided, single submitter. Criteria: ACMG Guidelines, 2015. Collection method: clinical testing. Allele origin: germline.

CeGaT Center for Human Genetics Tuebingen
Classification: Likely benign. Last evaluated: 2024-06-01. Review status: criteria provided, single submitter. Criteria: CeGaT Center For Human Genetics Tuebingen Variant Classification Criteria Version 2. Collection method: clinical testing. Allele origin: germline. Affected: yes. Observed: 1 variant allele.
Comment: DNAJC5: BP5

GeneDx
Classification: Uncertain significance. Last evaluated: 2020-01-03. Review status: criteria provided, single submitter. Criteria: GeneDx Variant Classification Process June 2021. Collection method: clinical testing. Allele origin: germline. Affected: yes.
Comment: Reported as a paternally inherited variant in a patient with arthrogryposis, seizures, microcephaly, progressive cerebellar atrophy and axonal neuropathy who was also heterozygous for a de novo pathogenic KIF1A variant and compound heterozygous for variants in FASN (Volk et al., 2015); In silico analysis, which includes protein predictors and evolutionary conservation, supports a deleterious effect; This variant is associated with the following publications: (PMID: 25852444)

Mayo Clinic Laboratories, Mayo Clinic
Classification: Uncertain significance. Last evaluated: 2018-01-05. Review status: no assertion criteria provided. Collection method: clinical testing. Allele origin: unknown. Not counted in ClinVar's aggregate classification.

Literature cited by the submitters: PubMed 34720963 (cited by Labcorp Genetics (formerly Invitae), Labcorp).

NM_025219.3(DNAJC5):c.188C>T (p.Ala63Val)

Gene: DNAJC5 (DnaJ heat shock protein family (Hsp40) member C5; plus strand). Cytogenetic location: 20q13.33.
Variant type: single nucleotide variant.
Coding change: c.188C>T on transcript NM_025219.3 (MANE Select); coding-DNA position 188, C replaced by T.
Protein change: p.Ala63Val; replaces alanine 63 with valine.
Molecular consequence: missense variant.
Genome position (GRCh38, 1-based): chr20:63,929,392, C>T. VCF-style: chr20-63929392-C-T. GRCh37 (hg19) VCF-style: chr20-62560745-C-T.
Other names: short protein forms A63V.
Identifiers: ClinVar variation 558992 (VCV000558992.33), dbSNP rs139312819, ClinGen allele CA9969665.
Genomic context (GRCh38, chr20:63,929,392, plus strand): 5'-ACCCCGACAAGAACCCCGACAACCCGGAGGCCGCGGACAAGTTTAAGGAGATCAACAACG[C>T]GCACGCCATCCTCACGGACGCCACAAAAAGGAACATCTACGACAAGTACGGCTCGCTGGG-3'
Protein context (NP_079495.1, residues 53-73): AADKFKEINN[Ala63Val]HAILTDATKR